The following is an entry in ClinVar:

NM_001080466.2(BTBD17):c.708C>G (p.Ala236=)

Gene: BTBD17 (BTB domain containing 17; minus strand). Cytogenetic location: 17q25.1.
Variant type: single nucleotide variant.
Coding change: c.708C>G on transcript NM_001080466.2 (MANE Select); coding-DNA position 708, C replaced by G.
Protein change: p.Ala236=; no amino-acid change (alanine 236 retained).
Molecular consequence: synonymous variant.
Genome position (GRCh38, 1-based): chr17:74,357,386, G>C on the plus strand (C>G on the coding strand, the complement: BTBD17 is on the minus strand). VCF-style: chr17-74357386-G-C. GRCh37 (hg19) VCF-style: chr17-72353525-G-C.
Identifiers: ClinVar variation 4872295 (VCV004872295.2).

ClinVar aggregate classification (germline): Likely benign (1 of 4 stars; one submission).

Submission:

CeGaT Center for Human Genetics Tuebingen
Classification: Likely benign. Last evaluated: 2026-05-01. Review status: criteria provided, single submitter. Criteria: CeGaT Center For Human Genetics Tuebingen Variant Classification Criteria Version 2. Collection method: clinical testing. Allele origin: germline. Affected: yes. Observed: 1 variant allele.
Comment: BTBD17: PM2:Supporting, BP4, BP7